The following is an entry in ClinVar:

NM_006415.4(SPTLC1):c.165+5G>A

Gene: SPTLC1 (serine palmitoyltransferase long chain base subunit 1; minus strand). Cytogenetic location: 9q22.31.
Variant type: single nucleotide variant.
Coding change: c.165+5G>A on transcript NM_006415.4 (MANE Select); 5 bases into the intron after coding-DNA position 165, G replaced by A.
Molecular consequence: intron variant.
Genome position (GRCh38, 1-based): chr9:92,112,450, C>T on the plus strand (G>A on the coding strand, the complement: SPTLC1 is on the minus strand). VCF-style: chr9-92112450-C-T. GRCh37 (hg19) VCF-style: chr9-94874732-C-T.
Other names: c.165+5G>A (NM_001281303.2, NM_178324.3); c.-335+5G>A (NM_001368272.1); c.-301+5G>A (NM_001368273.1).
Identifiers: ClinVar variation 2070708 (VCV002070708.4), dbSNP rs765334427, ClinGen allele CA5121668.

ClinVar aggregate classification (germline): Uncertain significance (1 of 4 stars; one submission).

Conditions:
Hereditary sensory and autonomic neuropathy type 1 (HSAN1). Also called: HSAN 1; HSN Type I; Hereditary Sensory Neuropathy Type I. Identifiers: Orphanet 36386, MedGen C0020071, MONDO:0018213.

Allele frequency attached by ClinVar (database versions not stated): TOPMed 0.00001; gnomAD exomes 0.00001; ExAC 0.00001; gnomAD 0.00001.
gnomAD v4.1: 14 of 1,574,530 alleles (0.00089%); highest among the groups gnomAD compares: South Asian, 0.0022%; no homozygotes.

Submission:

Labcorp Genetics (formerly Invitae), Labcorp
Classification: Uncertain significance for Hereditary sensory and autonomic neuropathy type 1. Last evaluated: 2025-10-27. Review status: criteria provided, single submitter. Criteria: Invitae Variant Classification Sherloc (09022015). Collection method: clinical testing. Allele origin: germline.
Comment: This sequence change falls in intron 2 of the SPTLC1 gene. It does not directly change the encoded amino acid sequence of the SPTLC1 protein. It affects a nucleotide within the consensus splice site. This variant is present in population databases (rs765334427, gnomAD 0.003%). This variant has not been reported in the literature in individuals affected with SPTLC1-related conditions. ClinVar contains an entry for this variant (Variation ID: 2070708). Variants that disrupt the consensus splice site are a relatively common cause of aberrant splicing (PMID: 17576681, 9536098). Algorithms developed to predict the effect of sequence changes on RNA splicing suggest that this variant is not likely to affect RNA splicing. In summary, the available evidence is currently insufficient to determine the role of this variant in disease. Therefore, it has been classified as a Variant of Uncertain Significance.

Literature cited by the submitters: PubMed 17576681; PubMed 9536098.